The following is an entry in ClinVar:

NM_000094.4(COL7A1):c.4011+1G>A

Gene: COL7A1 (collagen type VII alpha 1 chain; minus strand). Cytogenetic location: 3p21.31.
Variant type: single nucleotide variant.
Coding change: c.4011+1G>A on transcript NM_000094.4 (MANE Select); the canonical splice donor site of the intron after coding-DNA position 4011, G replaced by A.
Molecular consequence: splice donor variant.
Genome position (GRCh38, 1-based): chr3:48,584,909, C>T on the plus strand (G>A on the coding strand, the complement: COL7A1 is on the minus strand). VCF-style: chr3-48584909-C-T. GRCh37 (hg19) VCF-style: chr3-48622342-C-T.
Identifiers: ClinVar variation 449650 (VCV000449650.26), dbSNP rs1553862581, ClinGen allele CA352697031.

ClinVar aggregate classification (germline): Pathogenic/Likely pathogenic. Review status: criteria provided, multiple submitters, no conflicts (2 of 4 stars). 5 submissions from 5 submitters: Pathogenic (3); Likely pathogenic (2). Last evaluated 2025-09-26.

Conditions:
Epidermolysis bullosa dystrophica. Also called: Dystrophic epidermolysis bullosa, Hallopeau-Siemens type (formerly); Dystrophic epidermolysis bullosa. Identifiers: Orphanet 303, MedGen C0079294, MONDO:0006543.
Recessive dystrophic epidermolysis bullosa (RDEB). Also called: DYSTROPHIC EPIDERMOLYSIS BULLOSA, AUTOSOMAL RECESSIVE; EPIDERMOLYSIS BULLOSA DYSTROPHICA, HALLOPEAU-SIEMENS TYPE; epidermolysis bullosa dystrophica, autosomal recessive; severe generalized recessive dystrophic epidermolysis bullosa; Recessive DEB (RDEB); EPIDERMOLYSIS BULLOSA DYSTROPHICA, GENERALIZED SEVERE, AUTOSOMAL RECESSIVE. Identifiers: Orphanet 79408, Orphanet 79409, MedGen C0079474, MONDO:0009179, OMIM 226600.

Allele frequency attached by ClinVar (database versions not stated): TOPMed 0.00001.

Submissions (5):

Natera, Inc.
Classification: Likely pathogenic for Dystrophic epidermolysis bullosa. Last evaluated: 2025-09-26. Review status: criteria provided, single submitter. Criteria: Natera Variant Classification Schema (03/2026). Collection method: clinical testing. Allele origin: germline.
Comment: The c.4011+1G>A variant in COL7A1 is a canonical splice donor site variant predicted to affect pre-mRNA splicing, which may result in an abnormal transcript and altered protein product. This variant may result in a truncated or dysfunctional protein product. This variant is rare in the general population with a frequency below the threshold expected for the associated phenotype(s). Another variant at this same site results in an alteration predicted to cause a similar molecular effect has been observed in individual(s) with the associated phenotype. Given the available evidence, this variant is classified as Likely Pathogenic.

Myriad Genetics, Inc.
Classification: Likely pathogenic for Recessive dystrophic epidermolysis bullosa. Last evaluated: 2025-05-18. Review status: criteria provided, single submitter. Criteria: Myriad Autosomal Dominant, Autosomal Recessive and X-Linked Classification Criteria (2023). Collection method: clinical testing. Allele origin: unknown.
Comment: NM_000094.3(COL7A1):c.4011+1G>A is a variant in a canonical splice site classified as likely pathogenic in the context of dystrophic epidermolysis bullosa. c.4011+1G>A has been observed in a case with relevant disease (PMID: 35979658). Relevant functional assessments of this variant are not available in the literature. c.4011+1G>A has not been observed in referenced population frequency databases. In summary, NM_000094.3(COL7A1):c.4011+1G>A is a variant in a canonical splice site that has been observed more frequently in cases with the relevant disease than in healthy populations. Please note: this variant was assessed in the context of healthy population screening.

Labcorp Genetics (formerly Invitae), Labcorp
Classification: Pathogenic. Last evaluated: 2024-04-15. Review status: criteria provided, single submitter. Criteria: Invitae Variant Classification Sherloc (09022015). Collection method: clinical testing. Allele origin: germline.
Comment: This sequence change affects a donor splice site in intron 33 of the COL7A1 gene. It is expected to disrupt splicing. Variants that disrupt the donor or acceptor splice site typically lead to a loss of protein function (PMID: 16199547), and loss-of-function variants in COL7A1 are known to be disease-causing for autosomal recessive dystrophic epidermolysis bullosa (PMID: 16971478). However, certain variants affecting donor or acceptor splice sites in the triple helical domain of COL7A1 are expected to result in in-frame exon skipping and have been reported to cause autosomal dominant dystrophic epidermolysis bullosa (PMID: 31670143). This variant is not present in population databases (gnomAD no frequency). Disruption of this splice site has been observed in individual(s) with autosomal recessive dystrophic epidermolysis bullosa (PMID: 35979658). ClinVar contains an entry for this variant (Variation ID: 449650). Algorithms developed to predict the effect of sequence changes on RNA splicing suggest that this variant may disrupt the consensus splice site. For these reasons, this variant has been classified as Pathogenic.

Center for Research in Genodermatoses and Epidermolysis Bullosa, University of Buenos Aires
Classification: Pathogenic for Recessive dystrophic epidermolysis bullosa. Last evaluated: 2022-03-14. Review status: criteria provided, single submitter. Criteria: ACMG Guidelines, 2015. Collection method: clinical testing. Allele origin: paternal. Affected: yes. Observed: 1 variant allele, 1 compound heterozygote.

GeneDx
Classification: Pathogenic. Last evaluated: 2016-01-07. Review status: criteria provided, single submitter. Criteria: GeneDx Variant Classification (06012015). Collection method: clinical testing. Allele origin: germline. Affected: yes.
Comment: The c.4011+1 G>A pathogenic variant in the COL7A1 gene has not been reported previously in association with DEB to our knowledge, however numerous other splicing mutations have been reported in the canonical splice sequence.. This splice site variant destroys the canonical splice donor site in intron 33. It is predicted to cause abnormal gene splicing, either leading to an abnormal message that is subject to nonsense-mediated mRNA decay, or to an abnormal protein product if the message is used for protein translation. The c.4011+1 G>A variant was not observed in approximately 6500 individuals of European and African American ancestry in the NHLBI Exome Sequencing Project, indicating it is not a common benign variant in these populations. We interpret c.4011+1 G>A as a pathogenic variant.

Literature cited by the submitters: PubMed 35979658 (cited by 3 submitters); PubMed 16199547 (cited by Labcorp Genetics (formerly Invitae), Labcorp); PubMed 16971478 (cited by Labcorp Genetics (formerly Invitae), Labcorp); PubMed 31670143 (cited by Labcorp Genetics (formerly Invitae), Labcorp).